The following is an entry in ClinVar:

ClinVar aggregate classification (germline): Uncertain significance (1 of 4 stars; one submission).

Allele frequency attached by ClinVar (database versions not stated): gnomAD exomes 0.00001; TOPMed 0.00001; ExAC 0.00005.
gnomAD v4.1: 16 of 1,588,490 alleles (0.001%); highest among the groups gnomAD compares: Non-Finnish European, 0.0011%; no homozygotes.

Submission:

GeneDx
Classification: Uncertain significance. Last evaluated: 2022-08-08. Review status: criteria provided, single submitter. Criteria: GeneDx Variant Classification Process June 2021. Collection method: clinical testing. Allele origin: germline. Affected: yes.
Comment: In silico analysis supports that this missense variant has a deleterious effect on protein structure/function; Has not been previously published as pathogenic or benign to our knowledge

NM_001170535.3(ATAD3A):c.1603G>A (p.Val535Met)

Gene: ATAD3A (ATPase family AAA domain containing 3A; plus strand). Cytogenetic location: 1p36.33.
Variant type: single nucleotide variant.
Coding change: c.1603G>A on transcript NM_001170535.3 (MANE Select); coding-DNA position 1603, G replaced by A.
Protein change: p.Val535Met; replaces valine 535 with methionine.
Molecular consequence: missense variant.
Genome position (GRCh38, 1-based): chr1:1,529,320, G>A. VCF-style: chr1-1529320-G-A. GRCh37 (hg19) VCF-style: chr1-1464700-G-A.
Other names: c.1366G>A, p.Val456Met (NM_001170536.3); c.1747G>A, p.Val583Met (NM_018188.5); short protein forms V456M, V535M, V583M.
Identifiers: ClinVar variation 2443612 (VCV002443612.1), dbSNP rs750137079, ClinGen allele CA526488.